The following is an entry in ClinVar:

NM_006662.3(SRCAP):c.550C>G (p.Arg184Gly)

Gene: SRCAP (Snf2 related CREBBP activator protein; plus strand). Cytogenetic location: 16p11.2.
Variant type: single nucleotide variant.
Coding change: c.550C>G on transcript NM_006662.3 (MANE Select); coding-DNA position 550, C replaced by G.
Protein change: p.Arg184Gly; replaces arginine 184 with glycine.
Molecular consequence: missense variant.
Genome position (GRCh38, 1-based): chr16:30,707,629, C>G. VCF-style: chr16-30707629-C-G. GRCh37 (hg19) VCF-style: chr16-30718950-C-G.
Other names: short protein forms R184G.
Identifiers: ClinVar variation 2097841 (VCV002097841.4), dbSNP rs778348276, ClinGen allele CA395599805.

ClinVar aggregate classification (germline): Uncertain significance (1 of 4 stars; one submission).

Allele frequency attached by ClinVar (database versions not stated): gnomAD exomes below 0.00001.
gnomAD v4.1: 1 of 1,614,046 alleles (0.000062%); highest among the groups gnomAD compares: Non-Finnish European, 0.000085%; no homozygotes.

Submission:

Labcorp Genetics (formerly Invitae), Labcorp
Classification: Uncertain significance. Last evaluated: 2022-08-05. Review status: criteria provided, single submitter. Criteria: Invitae Variant Classification Sherloc (09022015). Collection method: clinical testing. Allele origin: germline.
Comment: In summary, the available evidence is currently insufficient to determine the role of this variant in disease. Therefore, it has been classified as a Variant of Uncertain Significance. Algorithms developed to predict the effect of missense changes on protein structure and function are either unavailable or do not agree on the potential impact of this missense change (SIFT: "Deleterious"; PolyPhen-2: "Not Available"; Align-GVGD: "Class C45"). This variant has not been reported in the literature in individuals affected with SRCAP-related conditions. This variant is not present in population databases (gnomAD no frequency). This sequence change replaces arginine, which is basic and polar, with glycine, which is neutral and non-polar, at codon 184 of the SRCAP protein (p.Arg184Gly).